The following is an entry in ClinVar:

NM_001292034.3(TAB2):c.2031C>A (p.Asn677Lys)

Gene: TAB2 (TGF-beta activated kinase 1 (MAP3K7) binding protein 2; plus strand). Cytogenetic location: 6q25.1.
Variant type: single nucleotide variant.
Coding change: c.2031C>A on transcript NM_001292034.3 (MANE Select); coding-DNA position 2031, C replaced by A.
Protein change: p.Asn677Lys; replaces asparagine 677 with lysine.
Molecular consequence: missense variant.
Genome position (GRCh38, 1-based): chr6:149,409,668, C>A. VCF-style: chr6-149409668-C-A. GRCh37 (hg19) VCF-style: chr6-149730804-C-A.
Other names: c.1935C>A, p.Asn645Lys (NM_001292035.3); c.2031C>A, p.Asn677Lys (NM_001369506.1, NM_015093.6); short protein forms N645K, N677K.
Identifiers: ClinVar variation 2507282 (VCV002507282.1), dbSNP rs2483572050, ClinGen allele CA366007418.

ClinVar aggregate classification (germline): Uncertain significance (1 of 4 stars; one submission).

Submission:

GeneDx
Classification: Uncertain significance. Last evaluated: 2022-12-28. Review status: criteria provided, single submitter. Criteria: GeneDx Variant Classification Process June 2021. Collection method: clinical testing. Allele origin: germline. Affected: yes.
Comment: Has not been previously published as pathogenic or benign to our knowledge; Not observed at significant frequency in large population cohorts (gnomAD); In silico analysis supports that this missense variant has a deleterious effect on protein structure/function